The following is an entry in ClinVar:

NM_000246.4(CIITA):c.2816+188T>G

Gene: CIITA (class II major histocompatibility complex transactivator; plus strand). Cytogenetic location: 16p13.13.
Variant type: single nucleotide variant.
Coding change: c.2816+188T>G on transcript NM_000246.4 (MANE Select); 188 bases into the intron after coding-DNA position 2816, T replaced by G.
Molecular consequence: intron variant.
Genome position (GRCh38, 1-based): chr16:10,909,375, T>G. VCF-style: chr16-10909375-T-G. GRCh37 (hg19) VCF-style: chr16-11003232-T-G.
Other names: c.2819+188T>G (NM_001286402.1, NM_001379332.1); c.2672+188T>G (NM_001379330.1); c.2816+188T>G (NM_001379333.1); c.2669+188T>G (NM_001379331.1); c.1064+188T>G (NM_001286403.2); c.2747+188T>G (NM_001379334.1).
Identifiers: ClinVar variation 103001 (VCV000103001.2), dbSNP rs199476076, ClinGen allele CA229977.
Genomic context (GRCh38, chr16:10,909,375, plus strand): 5'-TGGGCAATGGCTAACCAGAGTCTCTCACTGCACTCGCTGCCCAGGCGGAGCCTCTAGAAT[T>G]GAAAACTTTGCTGCATTCAAAACCTGCCATCATGTGCCCAAGTCTTAGCTAAAGCCATGG-3'

ClinVar aggregate classification (germline): not provided (0 of 4 stars; one submission).

Allele frequency attached by ClinVar (database versions not stated): gnomAD 0.00003 and 0.00005; TOPMed 0.00004.
gnomAD v4.1: 7 of 152,340 alleles (0.0046%); highest among the groups gnomAD compares: Non-Finnish European, 0.01%; no homozygotes.

Submission:

Human Evolutionary Genetics, Institut Pasteur
No classification provided. Review status: no classification provided. Collection method: not provided. Allele origin: germline.
ClinVar note: Converted during submission from untested to not provided.